The following is an entry in ClinVar:

ClinVar aggregate classification (germline): Uncertain significance (1 of 4 stars; one submission).

gnomAD v4.1: 7 of 1,614,122 alleles (0.00043%); highest among the groups gnomAD compares: South Asian, 0.0011%; no homozygotes.

Submission:

Labcorp Genetics (formerly Invitae), Labcorp
Classification: Uncertain significance. Last evaluated: 2026-01-15. Review status: criteria provided, single submitter. Criteria: Invitae Variant Classification Sherloc (09022015). Collection method: clinical testing. Allele origin: germline.
Comment: This sequence change replaces valine, which is neutral and non-polar, with leucine, which is neutral and non-polar, at codon 126 of the RTN4IP1 protein (p.Val126Leu). This variant is present in population databases (rs199549230, gnomAD 0.01%). This variant has not been reported in the literature in individuals affected with RTN4IP1-related conditions. ClinVar contains an entry for this variant (Variation ID: 1040828). Invitae Evidence Modeling of protein sequence and biophysical properties (such as structural, functional, and spatial information, amino acid conservation, physicochemical variation, residue mobility, and thermodynamic stability) indicates that this missense variant is not expected to disrupt RTN4IP1 protein function with a negative predictive value of 80%. In summary, the available evidence is currently insufficient to determine the role of this variant in disease. Therefore, it has been classified as a Variant of Uncertain Significance.

NM_032730.5(RTN4IP1):c.376G>C (p.Val126Leu)

Gene: RTN4IP1 (reticulon 4 interacting protein 1; minus strand). Cytogenetic location: 6q21.
Variant type: single nucleotide variant.
Coding change: c.376G>C on transcript NM_032730.5 (MANE Select); coding-DNA position 376, G replaced by C.
Protein change: p.Val126Leu; replaces valine 126 with leucine.
Molecular consequence: missense variant.
Genome position (GRCh38, 1-based): chr6:106,622,868, C>G on the plus strand (G>C on the coding strand, the complement: RTN4IP1 is on the minus strand). VCF-style: chr6-106622868-C-G. GRCh37 (hg19) VCF-style: chr6-107070743-C-G.
Other names: c.76G>C, p.Val26Leu (NM_001318746.1); short protein forms V126L, V26L.
Identifiers: ClinVar variation 1040828 (VCV001040828.7), dbSNP rs199549230, ClinGen allele CA3944523.